The following is an entry in ClinVar:

ClinVar aggregate classification (germline): Pathogenic (1 of 4 stars; one submission).

Conditions:
Hypertrophic cardiomyopathy 26. Also called: Cardiomyopathy, familial hypertrophic, 26. Identifiers: Orphanet 75249, MedGen C4310749, MONDO:0014883, OMIM 617047.
Myofibrillar myopathy 5. Also called: Filaminopathy (type); FILAMINOPATHY, AUTOSOMAL DOMINANT. Identifiers: Orphanet 171445, MedGen C1836050, MONDO:0012289, OMIM 609524.
Distal myopathy with posterior leg and anterior hand involvement. Also called: WILLIAMS DISTAL MYOPATHY. Identifiers: Orphanet 63273, MedGen C3279722, MONDO:0013550, OMIM 614065.

Submission:

Labcorp Genetics (formerly Invitae), Labcorp
Classification: Pathogenic for Distal myopathy with posterior leg and anterior hand involvement; Myofibrillar myopathy 5; Hypertrophic cardiomyopathy 26. Last evaluated: 2025-03-26. Review status: criteria provided, single submitter. Criteria: Invitae Variant Classification Sherloc (09022015). Collection method: clinical testing. Allele origin: germline.
Comment: This sequence change creates a premature translational stop signal (p.Thr1240Valfs*29) in the FLNC gene. It is expected to result in an absent or disrupted protein product. Loss-of-function variants in FLNC are known to be pathogenic (PMID: 27908349). This variant is not present in population databases (gnomAD no frequency). This variant has not been reported in the literature in individuals affected with FLNC-related conditions. For these reasons, this variant has been classified as Pathogenic.

Literature cited by the submitters: PubMed 27908349.

NM_001458.5(FLNC):c.3718_3721del (p.Thr1240fs)

Gene: FLNC (filamin C; plus strand). Cytogenetic location: 7q32.1.
Variant type: Deletion.
Coding change: c.3718_3721del on transcript NM_001458.5 (MANE Select); coding-DNA positions 3718 to 3721, 4 bases deleted (ACCC; older notation c.3718_3721delACCC).
Protein change: p.Thr1240fs; shifts the reading frame from threonine 1240.
Molecular consequence: frameshift variant.
Genome position (GRCh38, 1-based): chr7:128,845,183-128,845,186, ACCC deleted; deleting any 4 consecutive bases within chr7:128,845,180-128,845,186 gives the same sequence; the c. name uses the placement nearest the transcript's 3' end. VCF-style (leftmost placement, unchanged base first): chr7-128845179-CCCCA-C. GRCh37 (hg19) VCF-style: chr7-128485233-CCCCA-C.
Other names: c.3718_3721del, p.Thr1240fs (NM_001127487.2); short protein forms T1240fs.
Identifiers: ClinVar variation 4812470 (VCV004812470.1).